The following is an entry in ClinVar:

NM_001369.3(DNAH5):c.11820_11821insTTAT (p.Ile3941fs)

Gene: DNAH5 (dynein axonemal heavy chain 5; minus strand). Cytogenetic location: 5p15.2.
Variant type: Insertion.
Coding change: c.11820_11821insTTAT on transcript NM_001369.3 (MANE Select); coding-DNA positions 11820 to 11821, TTAT inserted.
Protein change: p.Ile3941fs; shifts the reading frame from isoleucine 3941.
Molecular consequence: frameshift variant.
Genome position: GRCh38 VCF-style: chr5-13729501-T-TATAA. GRCh37 (hg19) VCF-style: chr5-13729610-T-TATAA.
Other names: short protein forms I3941fs.
Identifiers: ClinVar variation 2963817 (VCV002963817.3), dbSNP rs2546547153, ClinGen allele CA2740091679.

ClinVar aggregate classification (germline): Pathogenic (1 of 4 stars; one submission).

Conditions:
Primary ciliary dyskinesia. Also called: Ciliary dyskinesia. Identifiers: Orphanet 244, MedGen C0008780, MONDO:0016575, HP:0012265.

Submission:

Labcorp Genetics (formerly Invitae), Labcorp
Classification: Pathogenic for Primary ciliary dyskinesia. Last evaluated: 2024-01-18. Review status: criteria provided, single submitter. Criteria: Invitae Variant Classification Sherloc (09022015). Collection method: clinical testing. Allele origin: germline.
Comment: This sequence change creates a premature translational stop signal (p.Ile3941Leufs*11) in the DNAH5 gene. It is expected to result in an absent or disrupted protein product. Loss-of-function variants in DNAH5 are known to be pathogenic (PMID: 11788826, 16627867). This variant is not present in population databases (gnomAD no frequency). This variant has not been reported in the literature in individuals affected with DNAH5-related conditions. Algorithms developed to predict the effect of sequence changes on RNA splicing suggest that this variant may disrupt the consensus splice site. For these reasons, this variant has been classified as Pathogenic.

Literature cited by the submitters: PubMed 11788826; PubMed 16627867.